The following is an entry in ClinVar:

NM_017838.4(NHP2):c.167A>G (p.Lys56Arg)

Gene: NHP2 (NHP2 ribonucleoprotein; minus strand). Cytogenetic location: 5q35.3.
Variant type: single nucleotide variant.
Coding change: c.167A>G on transcript NM_017838.4 (MANE Select); coding-DNA position 167, A replaced by G.
Protein change: p.Lys56Arg; replaces lysine 56 with arginine.
Molecular consequence: missense variant.
Genome position (GRCh38, 1-based): chr5:178,153,554, T>C on the plus strand (A>G on the coding strand, the complement: NHP2 is on the minus strand). VCF-style: chr5-178153554-T-C. GRCh37 (hg19) VCF-style: chr5-177580555-T-C.
Other names: c.167A>G, p.Lys56Arg (NM_001034833.2); short protein forms K56R.
Identifiers: ClinVar variation 1350575 (VCV001350575.6), dbSNP rs2113476084, ClinGen allele CA362392599.

ClinVar aggregate classification (germline): Uncertain significance (1 of 4 stars; one submission).

Conditions:
Dyskeratosis congenita. Identifiers: Orphanet 1775, MedGen C0265965, MONDO:0015780.

Submission:

Labcorp Genetics (formerly Invitae), Labcorp
Classification: Uncertain significance for Dyskeratosis congenita. Last evaluated: 2024-07-30. Review status: criteria provided, single submitter. Criteria: Invitae Variant Classification Sherloc (09022015). Collection method: clinical testing. Allele origin: germline.
Comment: This sequence change replaces lysine, which is basic and polar, with arginine, which is basic and polar, at codon 56 of the NHP2 protein (p.Lys56Arg). This variant is not present in population databases (gnomAD no frequency). This variant has not been reported in the literature in individuals affected with NHP2-related conditions. ClinVar contains an entry for this variant (Variation ID: 1350575). An algorithm developed to predict the effect of missense changes on protein structure and function (PolyPhen-2) suggests that this variant is likely to be tolerated. In summary, the available evidence is currently insufficient to determine the role of this variant in disease. Therefore, it has been classified as a Variant of Uncertain Significance.